The following is an entry in ClinVar:

NM_004836.7(EIF2AK3):c.2311G>A (p.Val771Met)

Genes: EIF2AK3 (eukaryotic translation initiation factor 2 alpha kinase 3; minus strand), EIF2AK3-AS1 (EIF2AK3 antisense RNA 1; plus strand). Cytogenetic location: 2p11.2.
Variant type: single nucleotide variant.
Coding change: c.2311G>A on transcript NM_004836.7 (MANE Select); coding-DNA position 2311, G replaced by A.
Protein change: p.Val771Met; replaces valine 771 with methionine.
Molecular consequence: missense variant. On other transcripts: non-coding transcript variant (1).
Genome position (GRCh38, 1-based): chr2:88,575,172, C>T on the plus strand (G>A on the coding strand, the complement: EIF2AK3 is on the minus strand). VCF-style: chr2-88575172-C-T. GRCh37 (hg19) VCF-style: chr2-88874690-C-T.
Other names: c.1858G>A, p.Val620Met (NM_001313915.2); c.2311G>A (NM_004836.5); short protein forms V620M, V771M.
Identifiers: ClinVar variation 2077739 (VCV002077739.2), dbSNP rs2104411563, ClinGen allele CA347591944.

ClinVar aggregate classification (germline): Uncertain significance. Review status: criteria provided, multiple submitters, no conflicts (2 of 4 stars). 2 submissions from 2 submitters: Uncertain significance (2). Last evaluated 2025-04-19.

Conditions:
Inborn genetic diseases. Identifiers: MedGen C0950123, MeSH D030342.

Allele frequency attached by ClinVar (database versions not stated): gnomAD exomes 0.00001; gnomAD 0.00002.
gnomAD v4.1: 14 of 1,613,692 alleles (0.00087%); highest among the groups gnomAD compares: Middle Eastern, 0.082%; no homozygotes.

Submissions (2):

Ambry Genetics
Classification: Uncertain significance for Inborn genetic diseases. Last evaluated: 2025-04-19. Review status: criteria provided, single submitter. Criteria: Ambry Variant Classification Scheme 2023. Collection method: clinical testing. Allele origin: germline.

Labcorp Genetics (formerly Invitae), Labcorp
Classification: Uncertain significance. Last evaluated: 2022-08-16. Review status: criteria provided, single submitter. Criteria: Invitae Variant Classification Sherloc (09022015). Collection method: clinical testing. Allele origin: germline.
Comment: This sequence change replaces valine, which is neutral and non-polar, with methionine, which is neutral and non-polar, at codon 771 of the EIF2AK3 protein (p.Val771Met). This variant is not present in population databases (gnomAD no frequency). This variant has not been reported in the literature in individuals affected with EIF2AK3-related conditions. Algorithms developed to predict the effect of missense changes on protein structure and function output the following: SIFT: "Tolerated"; PolyPhen-2: "Benign"; Align-GVGD: "Class C0". The methionine amino acid residue is found in multiple mammalian species, which suggests that this missense change does not adversely affect protein function. In summary, the available evidence is currently insufficient to determine the role of this variant in disease. Therefore, it has been classified as a Variant of Uncertain Significance.